The following is an entry in ClinVar:

NM_000218.3(KCNQ1):c.1794+11G>A

Gene: KCNQ1 (potassium voltage-gated channel subfamily Q member 1; plus strand). Cytogenetic location: 11p15.5.
Variant type: single nucleotide variant.
Coding change: c.1794+11G>A on transcript NM_000218.3 (MANE Select); 11 bases into the intron after coding-DNA position 1794, G replaced by A.
Molecular consequence: intron variant.
Genome position (GRCh38, 1-based): chr11:2,778,048, G>A. VCF-style: chr11-2778048-G-A. GRCh37 (hg19) VCF-style: chr11-2799278-G-A.
Other names: c.1524+11G>A (NM_001406837.1); c.1698+11G>A (NM_001406836.1); c.1254+11G>A (NM_001406838.1); c.1413+11G>A (NM_181798.2); c.306+11G>A (NM_001406839.1).
Identifiers: ClinVar variation 138006 (VCV000138006.20), dbSNP rs186188610, ClinGen allele CA006420.

ClinVar aggregate classification (germline): Conflicting classifications of pathogenicity. Review status: criteria provided, conflicting classifications (1 of 4 stars). 9 submissions from 6 submitters: Uncertain significance (1); Benign (5); Likely benign (3). Last evaluated 2026-01-26.

Conditions:
Long QT syndrome (LQTS). Identifiers: MedGen C0023976, MeSH D008133, MONDO:0002442. Disease mechanism: loss of function. Inheritance: Various modes of inheritance.
Short QT syndrome type 2. Identifiers: Orphanet 51083, MedGen C1865019, MONDO:0012313, OMIM 609621.
Atrial fibrillation, familial, 3 (ATFB3). Identifiers: MedGen C1837014, MONDO:0011857, OMIM 607554.
Long QT syndrome 1 (LQT1). Identifiers: Orphanet 101016, Orphanet 768, MedGen C4551647, MONDO:0100316, OMIM 192500, MONDO:0008646.
Jervell and Lange-Nielsen syndrome 1 (JLNS1). Also called: PROLONGED QT INTERVAL IN EKG AND SUDDEN DEATH; SURDO-CARDIAC SYNDROME; CARDIOAUDITORY SYNDROME OF JERVELL AND LANGE-NIELSEN; DEAFNESS, CONGENITAL, AND FUNCTIONAL HEART DISEASE. Identifiers: Orphanet 768, Orphanet 90647, MedGen C4551509, MONDO:0024540, OMIM 220400.

Allele frequency attached by ClinVar (database versions not stated): gnomAD 0.00029 and 0.00034; 1000 Genomes Project 30x 0.00047; 1000 Genomes Project 0.00060; TOPMed 0.00064; ExAC 0.00072; gnomAD exomes 0.00095.
gnomAD v4.1: 385 of 1,613,016 alleles (0.024%); highest among the groups gnomAD compares: Admixed American, 0.45%; 1 homozygote.

Submissions (9):

Labcorp Genetics (formerly Invitae), Labcorp
Classification: Benign for Long QT syndrome. Last evaluated: 2026-01-26. Review status: criteria provided, single submitter. Criteria: Invitae Variant Classification Sherloc (09022015). Collection method: clinical testing. Allele origin: germline.

Blueprint Genetics
Classification: Likely benign. Last evaluated: 2024-02-19. Review status: criteria provided, single submitter. Criteria: ACMG Guidelines, 2015. Collection method: clinical testing. Allele origin: germline.

Women's Health and Genetics/Laboratory Corporation of America, LabCorp
Classification: Benign. Last evaluated: 2021-11-21. Review status: criteria provided, single submitter. Criteria: LabCorp Variant Classification Summary - May 2015. Collection method: clinical testing. Allele origin: germline.

Illumina Laboratory Services, Illumina
Classification: Likely benign for Long QT syndrome 1. Last evaluated: 2018-01-12. Review status: criteria provided, single submitter. Criteria: ICSL Variant Classification Criteria 13 December 2019. Collection method: clinical testing. Allele origin: germline.
Comment: This variant was observed in the ICSL laboratory as part of a predisposition screen in an ostensibly healthy population. It had not been previously curated by ICSL or reported in the Human Gene Mutation Database (HGMD: prior to June 1st, 2018), and was therefore a candidate for classification through an automated scoring system. Utilizing variant allele frequency, disease prevalence and penetrance estimates, and inheritance mode, an automated score was calculated to assess if this variant is too frequent to cause the disease. Based on the score and internal cut-off values, a variant classified as likely benign is not then subjected to further curation. The score for this variant resulted in a classification of likely benign for this disease.

Illumina Laboratory Services, Illumina
Classification: Uncertain significance for Atrial fibrillation, familial, 3. Last evaluated: 2018-01-12. Review status: criteria provided, single submitter. Criteria: ICSL Variant Classification Criteria 13 December 2019. Collection method: clinical testing. Allele origin: germline.

Illumina Laboratory Services, Illumina
Classification: Benign for Short QT syndrome type 2. Last evaluated: 2018-01-12. Review status: criteria provided, single submitter. Criteria: ICSL Variant Classification Criteria 13 December 2019. Collection method: clinical testing. Allele origin: germline.
Comment: This variant was observed in the ICSL laboratory as part of a predisposition screen in an ostensibly healthy population. It had not been previously curated by ICSL or reported in the Human Gene Mutation Database (HGMD: prior to June 1st, 2018), and was therefore a candidate for classification through an automated scoring system. Utilizing variant allele frequency, disease prevalence and penetrance estimates, and inheritance mode, an automated score was calculated to assess if this variant is too frequent to cause the disease. Based on the score and internal cut-off values, a variant classified as benign is not then subjected to further curation. The score for this variant resulted in a classification of benign for this disease.

Illumina Laboratory Services, Illumina
Classification: Likely benign for Jervell and Lange-Nielsen syndrome 1. Last evaluated: 2018-01-12. Review status: criteria provided, single submitter. Criteria: ICSL Variant Classification Criteria 13 December 2019. Collection method: clinical testing. Allele origin: germline.
Comment: the same text as in the submission from Illumina Laboratory Services, Illumina above.

Laboratory for Molecular Medicine, Mass General Brigham Personalized Medicine
Classification: Benign. Last evaluated: 2015-02-25. Review status: criteria provided, single submitter. Criteria: LMM Criteria. Collection method: clinical testing. Allele origin: germline. Observed: 4 variant alleles.
Comment: c.1794+11G>A in intron 15 of KCNQ1: This variant is not expected to have clinica l significance because it is not located within the conserved splice consensus s equence and has been identified in 0.6% (70/11518) of Latino chromosomes by the Exome Aggregation Consortium (ExAC; dbSNP rs1861 88610).

GeneDx
Classification: Benign. Last evaluated: 2013-12-27. Review status: criteria provided, single submitter. Criteria: GeneDx Variant Classification (06012015). Collection method: clinical testing. Allele origin: germline. Affected: yes.
Comment: This variant is considered likely benign or benign based on one or more of the following criteria: it is a conservative change, it occurs at a poorly conserved position in the protein, it is predicted to be benign by multiple in silico algorithms, and/or has population frequency not consistent with disease.